The following is an entry in ClinVar:

NM_001001557.4(GDF6):c.769C>T (p.Pro257Ser)

Gene: GDF6 (growth differentiation factor 6; minus strand). Cytogenetic location: 8q22.1.
Variant type: single nucleotide variant.
Coding change: c.769C>T on transcript NM_001001557.4 (MANE Select); coding-DNA position 769, C replaced by T.
Protein change: p.Pro257Ser; replaces proline 257 with serine.
Molecular consequence: missense variant.
Genome position (GRCh38, 1-based): chr8:96,145,162, G>A on the plus strand (C>T on the coding strand, the complement: GDF6 is on the minus strand). VCF-style: chr8-96145162-G-A. GRCh37 (hg19) VCF-style: chr8-97157390-G-A.
Other names: short protein forms P257S.
Identifiers: ClinVar variation 2922290 (VCV002922290.3), dbSNP rs530426330, ClinGen allele CA4815410.

ClinVar aggregate classification (germline): Uncertain significance (1 of 4 stars; one submission).

Conditions:
Klippel-Feil syndrome 1, autosomal dominant (KFS1). Also called: CERVICAL VERTEBRAL FUSION, AUTOSOMAL DOMINANT. Identifiers: Orphanet 2345, MedGen C1861689, MONDO:0007306, OMIM 118100.
Leber congenital amaurosis 17 (LCA17). Identifiers: Orphanet 65, MedGen C3715164, MONDO:0014145, OMIM 615360.
Isolated microphthalmia 4. Identifiers: Orphanet 2542, MedGen C2751307, MONDO:0013130, OMIM 613094.
Microphthalmia, isolated, with coloboma 6 (MCOPCB6). Also called: MICROPHTHALMIA/COLOBOMA 6; Microphthalmia with coloboma 6, digenic; Microphthalmia with coloboma 6. Identifiers: Orphanet 98938, MedGen C3150968, MONDO:0013376, OMIM 613703.

Allele frequency attached by ClinVar (database versions not stated): 1000 Genomes Project 30x 0.00016; ExAC 0.00007; gnomAD 0.00001; 1000 Genomes Project 0.00020.

Submission:

Labcorp Genetics (formerly Invitae), Labcorp
Classification: Uncertain significance for Isolated microphthalmia 4; Leber congenital amaurosis 17; Klippel-Feil syndrome 1, autosomal dominant; Microphthalmia, isolated, with coloboma 6. Last evaluated: 2025-10-23. Review status: criteria provided, single submitter. Criteria: Invitae Variant Classification Sherloc (09022015). Collection method: clinical testing. Allele origin: germline.
Comment: This sequence change replaces proline, which is neutral and non-polar, with serine, which is neutral and polar, at codon 257 of the GDF6 protein (p.Pro257Ser). The frequency data for this variant in the population databases is considered unreliable, as metrics indicate poor data quality at this position in the gnomAD database. This variant has not been reported in the literature in individuals affected with GDF6-related conditions. ClinVar contains an entry for this variant (Variation ID: 2922290). Invitae Evidence Modeling of protein sequence and biophysical properties (such as structural, functional, and spatial information, amino acid conservation, physicochemical variation, residue mobility, and thermodynamic stability) indicates that this missense variant is not expected to disrupt GDF6 protein function with a negative predictive value of 80%. In summary, the available evidence is currently insufficient to determine the role of this variant in disease. Therefore, it has been classified as a Variant of Uncertain Significance.